The following is an entry in ClinVar:

ClinVar aggregate classification (germline): Uncertain significance (1 of 4 stars; one submission).

Allele frequency attached by ClinVar (database versions not stated): gnomAD exomes 0.00001; ExAC 0.00002.

Submission:

Labcorp Genetics (formerly Invitae), Labcorp
Classification: Uncertain significance. Last evaluated: 2021-05-18. Review status: criteria provided, single submitter. Criteria: Invitae Variant Classification Sherloc (09022015). Collection method: clinical testing. Allele origin: germline.
Comment: This sequence change creates a premature translational stop signal (p.Trp374*) in the PLAA gene. It is expected to result in an absent or disrupted protein product. However, the current clinical and genetic evidence is not sufficient to establish whether loss-of-function variants in PLAA cause disease. In summary, the available evidence is currently insufficient to determine the role of this variant in disease. Therefore, it has been classified as a Variant of Uncertain Significance. Algorithms developed to predict the effect of sequence changes on RNA splicing suggest that this variant may create or strengthen a splice site, but this prediction has not been confirmed by published transcriptional studies. This variant has not been reported in the literature in individuals with PLAA-related conditions. This variant is present in population databases (rs752298304, ExAC 0.02%).

NM_001031689.3(PLAA):c.1122G>A (p.Trp374Ter)

Gene: PLAA (phospholipase A2 activating protein; minus strand). Cytogenetic location: 9p21.2.
Variant type: single nucleotide variant.
Coding change: c.1122G>A on transcript NM_001031689.3 (MANE Select); coding-DNA position 1122, G replaced by A.
Protein change: p.Trp374Ter; replaces tryptophan 374 with a stop codon.
Molecular consequence: nonsense.
Genome position (GRCh38, 1-based): chr9:26,920,302, C>T on the plus strand (G>A on the coding strand, the complement: PLAA is on the minus strand). VCF-style: chr9-26920302-C-T. GRCh37 (hg19) VCF-style: chr9-26920300-C-T.
Other names: c.1122G>A, p.Trp374Ter (NM_001321546.2); short protein forms W374*.
Identifiers: ClinVar variation 1440512 (VCV001440512.6), dbSNP rs752298304, ClinGen allele CA5014460.